The following is an entry in ClinVar:

ClinVar aggregate classification (germline): Likely benign (0 of 4 stars; one submission).

Conditions:
KRT85-related disorder. Also called: KRT85-related condition.

gnomAD v4.1: 15 of 1,613,996 alleles (0.00093%); highest among the groups gnomAD compares: Non-Finnish European, 0.0011%; no homozygotes.

Submission:

PreventionGenetics, part of Exact Sciences
Classification: Likely benign for KRT85-related condition. Last evaluated: 2024-05-09. Review status: no assertion criteria provided. Collection method: clinical testing. Allele origin: germline.
Comment: This variant is classified as likely benign based on ACMG/AMP sequence variant interpretation guidelines (Richards et al. 2015 PMID: 25741868, with internal and published modifications).

NM_002283.4(KRT85):c.825G>A (p.Ser275=)

Gene: KRT85 (keratin 85; minus strand). Cytogenetic location: 12q13.13.
Variant type: single nucleotide variant.
Coding change: c.825G>A on transcript NM_002283.4 (MANE Select); coding-DNA position 825, G replaced by A.
Protein change: p.Ser275=; no amino-acid change (serine 275 retained).
Molecular consequence: synonymous variant.
Genome position (GRCh38, 1-based): chr12:52,363,372, C>T on the plus strand (G>A on the coding strand, the complement: KRT85 is on the minus strand). VCF-style: chr12-52363372-C-T. GRCh37 (hg19) VCF-style: chr12-52757156-C-T.
Other names: c.189G>A, p.Ser63= (NM_001300810.1).
Identifiers: ClinVar variation 3346732 (VCV003346732.1).